The following is an entry in ClinVar:

ClinVar aggregate classification (germline): Likely pathogenic (1 of 4 stars; one submission).

Conditions:
PCNT-related disorder. Also called: PCNT-related condition.

Submission:

PreventionGenetics, part of Exact Sciences
Classification: Likely pathogenic for PCNT-related condition. Last evaluated: 2026-05-28. Review status: criteria provided, single submitter. Criteria: ACMG Guidelines, 2015. Collection method: clinical testing. Allele origin: germline.
Comment: The PCNT c.5525_5543dup19 variant is predicted to result in a frameshift and premature protein termination (p.Glu1848Aspfs*7). To our knowledge, this variant has not been reported in the literature. This variant is reported in 0.0029% of alleles in individuals of Latino descent in gnomAD. Frameshift variants in PCNT are expected to be pathogenic. This variant is interpreted as likely pathogenic.

NM_006031.6(PCNT):c.5525_5543dup (p.Glu1848delinsAspSerProGlnGlyGlyTer)

Gene: PCNT (pericentrin; plus strand). Cytogenetic location: 21q22.3.
Variant type: Duplication.
Coding change: c.5525_5543dup on transcript NM_006031.6 (MANE Select); coding-DNA positions 5525 to 5543, 19 bases duplicated (TAGCCCTCAGGGAGGCTGA).
Protein change: p.Glu1848delinsAspSerProGlnGlyGlyTer.
Molecular consequence: nonsense.
Genome position (GRCh38, 1-based): chr21:46,411,598-46,411,616, TAGCCCTCAGGGAGGCTGA duplicated. VCF-style (leftmost placement, unchanged base first): chr21-46411597-G-GTAGCCCTCAGGGAGGCTGA. GRCh37 (hg19) VCF-style: chr21-47831511-G-GTAGCCCTCAGGGAGGCTGA.
Other names: c.5171_5189dup, p.Glu1730delinsAspSerProGlnGlyGlyTer (NM_001315529.2).
Identifiers: ClinVar variation 4995699 (VCV004995699.1).